The following is an entry in ClinVar:

ClinVar aggregate classification (germline): Conflicting classifications of pathogenicity. Review status: criteria provided, conflicting classifications (1 of 4 stars). 4 submissions from 4 submitters: Uncertain significance (2); Likely benign (1). 1 of the submissions does not count toward it. Last evaluated 2026-01-07.

Conditions:
Facial dysmorphism-immunodeficiency-livedo-short stature syndrome. Also called: Facial dysmorphism, immunodeficiency, livedo, and short stature; FILS syndrome. Identifiers: Orphanet 352712, MedGen C3554576, MONDO:0014058, OMIM 615139.
Colorectal cancer, susceptibility to, 12 (CRCS12). Also called: COLORECTAL CANCER, SUSCEPTIBILITY TO, ON CHROMOSOME 12q24. Identifiers: Orphanet 220460, MedGen C3554460, MONDO:0014038, OMIM 615083.
Intrauterine growth retardation, metaphyseal dysplasia, adrenal hypoplasia congenita, genital anomalies, and immunodeficiency. Also called: IMAGEI SYNDROME. Identifiers: MedGen C5193036, MONDO:0032684, OMIM 618336.
POLE-related disorder. Also called: POLE-related disorders; POLE-related condition.
Hereditary cancer-predisposing syndrome. Also called: Neoplastic Syndromes, Hereditary; Hereditary Cancer Syndrome; Hereditary neoplastic syndrome; Tumor predisposition. Identifiers: Orphanet 140162, MedGen C0027672, MeSH D009386, MONDO:0015356.

Allele frequency attached by ClinVar (database versions not stated): gnomAD exomes below 0.00001; gnomAD 0.00001; TOPMed 0.00002.
gnomAD v4.1: 4 of 1,612,252 alleles (0.00025%); highest among the groups gnomAD compares: Non-Finnish European, 0.00034%; no homozygotes.

Submissions (4):

Labcorp Genetics (formerly Invitae), Labcorp
Classification: Uncertain significance. Last evaluated: 2026-01-07. Review status: criteria provided, single submitter. Criteria: Invitae Variant Classification Sherloc (09022015). Collection method: clinical testing. Allele origin: germline.
Comment: This sequence change replaces asparagine, which is neutral and polar, with serine, which is neutral and polar, at codon 151 of the POLE protein (p.Asn151Ser). This variant is present in population databases (no rsID available, gnomAD 0.0009%). This missense change has been observed in individual(s) with ovarian cancer (PMID: 34326862). ClinVar contains an entry for this variant (Variation ID: 540825). Invitae Evidence Modeling of protein sequence and biophysical properties (such as structural, functional, and spatial information, amino acid conservation, physicochemical variation, residue mobility, and thermodynamic stability) indicates that this missense variant is not expected to disrupt POLE protein function with a negative predictive value of 80%. In summary, the available evidence is currently insufficient to determine the role of this variant in disease. Therefore, it has been classified as a Variant of Uncertain Significance.

Ambry Genetics
Classification: Likely benign for Hereditary cancer-predisposing syndrome. Last evaluated: 2025-02-28. Review status: criteria provided, single submitter. Criteria: Ambry Variant Classification Scheme 2023. Collection method: clinical testing. Allele origin: germline.

Fulgent Genetics
Classification: Uncertain significance for Colorectal cancer, susceptibility to, 12; Facial dysmorphism-immunodeficiency-livedo-short stature syndrome; Intrauterine growth retardation, metaphyseal dysplasia, adrenal hypoplasia congenita, genital anomalies, and immunodeficiency. Last evaluated: 2024-05-31. Review status: criteria provided, single submitter. Criteria: ACMG Guidelines, 2015. Collection method: clinical testing. Allele origin: germline.

PreventionGenetics, part of Exact Sciences
Classification: Uncertain significance for POLE-related condition. Last evaluated: 2023-12-19. Review status: no assertion criteria provided. Collection method: clinical testing. Allele origin: germline. Not counted in ClinVar's aggregate classification.
Comment: The POLE c.452A>G variant is predicted to result in the amino acid substitution p.Asn151Ser. This variant has been reported in an individual with ovarian cancer (Bhai et al. 2021. PubMed ID: 34326862). This variant is reported in 0.00088% of alleles in individuals of European (Non-Finnish) descent in gnomAD. It is interpreted as uncertain significance in ClinVar. At this time, the clinical significance of this variant is uncertain due to the absence of conclusive functional and genetic evidence.

Literature cited by the submitters: PubMed 34326862 (cited by Labcorp Genetics (formerly Invitae), Labcorp).

NM_006231.4(POLE):c.452A>G (p.Asn151Ser)

Gene: POLE (DNA polymerase epsilon, catalytic subunit; minus strand). Cytogenetic location: 12q24.33.
Variant type: single nucleotide variant.
Coding change: c.452A>G on transcript NM_006231.4 (MANE Select); coding-DNA position 452, A replaced by G.
Protein change: p.Asn151Ser; replaces asparagine 151 with serine.
Molecular consequence: missense variant.
Genome position (GRCh38, 1-based): chr12:132,679,623, T>C on the plus strand (A>G on the coding strand, the complement: POLE is on the minus strand). VCF-style: chr12-132679623-T-C. GRCh37 (hg19) VCF-style: chr12-133256209-T-C.
Other names: c.452A>G (NM_006231.2); short protein forms N151S.
Identifiers: ClinVar variation 540825 (VCV000540825.12), dbSNP rs969812647, ClinGen allele CA246301996.
Genomic context (GRCh38, chr12:132,679,623, plus strand): 5'-GAGATCTCCTTCCTCACTTTGACAAGATCCTCCACAGTGTGGAAGGACAGCCTGATGTAA[T>C]TTCGCTTCAAACCCACCAAGTGATTTGGCTATAATGCGAAGAGATCACGCTCATTGGTTC-3'
Protein context (NP_006222.2, residues 141-161): LPNHLVGLKR[Asn151Ser]YIRLSFHTVE